The following is an entry in ClinVar:

NM_000492.4(CFTR):c.2166T>A (p.Asn722Lys)

Gene: CFTR (CF transmembrane conductance regulator; plus strand). Cytogenetic location: 7q31.2.
Variant type: single nucleotide variant.
Coding change: c.2166T>A on transcript NM_000492.4 (MANE Select); coding-DNA position 2166, T replaced by A.
Protein change: p.Asn722Lys; replaces asparagine 722 with lysine.
Molecular consequence: missense variant.
Genome position (GRCh38, 1-based): chr7:117,592,333, T>A. VCF-style: chr7-117592333-T-A. GRCh37 (hg19) VCF-style: chr7-117232387-T-A.
Other names: short protein forms N722K.
Identifiers: ClinVar variation 1786992 (VCV001786992.2), dbSNP rs1378373345, ClinGen allele CA368980162.

ClinVar aggregate classification (germline): Uncertain significance (1 of 4 stars; one submission).

Conditions:
Cystic fibrosis (CF). Also called: MUCOVISCIDOSIS. Identifiers: Orphanet 586, MedGen C0010674, MONDO:0009061, OMIM 219700. Disease mechanism: loss of function.

Allele frequency attached by ClinVar (database versions not stated): TOPMed below 0.00001.

Submission:

Ambry Genetics
Classification: Uncertain significance for Cystic fibrosis. Last evaluated: 2021-12-22. Review status: criteria provided, single submitter. Criteria: Ambry Variant Classification Scheme 2023. Collection method: clinical testing. Allele origin: germline.
Comment: The p.N722K variant (also known as c.2166T>A), located in coding exon 14 of the CFTR gene, results from a T to A substitution at nucleotide position 2166. The asparagine at codon 722 is replaced by lysine, an amino acid with similar properties. This amino acid position is well conserved in available vertebrate species. In addition, the in silico prediction for this alteration is inconclusive. Since supporting evidence is limited at this time, the clinical significance of this alteration remains unclear.